The following is an entry in ClinVar:

ClinVar aggregate classification (germline): Uncertain significance (1 of 4 stars; one submission).

Allele frequency attached by ClinVar (database versions not stated): gnomAD exomes below 0.00001.
gnomAD v4.1: 1 of 1,613,720 alleles (0.000062%); highest among the groups gnomAD compares: Non-Finnish European, 0.000085%; no homozygotes.

Submission:

GeneDx
Classification: Uncertain significance. Last evaluated: 2019-06-26. Review status: criteria provided, single submitter. Criteria: GeneDx Variant Classification Process June 2021. Collection method: clinical testing. Allele origin: germline. Affected: yes.
Comment: Not observed in large population cohorts (Lek et al., 2016); In silico analysis, which includes protein predictors and evolutionary conservation, supports a deleterious effect; Has not been previously published as pathogenic or benign to our knowledge

NM_004431.5(EPHA2):c.2020A>C (p.Asn674His)

Gene: EPHA2 (EPH receptor A2; minus strand). Cytogenetic location: 1p36.13.
Variant type: single nucleotide variant.
Coding change: c.2020A>C on transcript NM_004431.5 (MANE Select); coding-DNA position 2020, A replaced by C.
Protein change: p.Asn674His; replaces asparagine 674 with histidine.
Molecular consequence: missense variant.
Genome position (GRCh38, 1-based): chr1:16,133,213, T>G on the plus strand (A>C on the coding strand, the complement: EPHA2 is on the minus strand). VCF-style: chr1-16133213-T-G. GRCh37 (hg19) VCF-style: chr1-16459708-T-G.
Other names: c.1858A>C, p.Asn620His (NM_001329090.2); short protein forms N620H, N674H.
Identifiers: ClinVar variation 1306358 (VCV001306358.2), dbSNP rs2124205208, ClinGen allele CA338624012.